The following is an entry in ClinVar:

NM_004304.5(ALK):c.2692G>A (p.Glu898Lys)

Gene: ALK (ALK receptor tyrosine kinase; minus strand). Cytogenetic location: 2p23.2.
Variant type: single nucleotide variant.
Coding change: c.2692G>A on transcript NM_004304.5 (MANE Select); coding-DNA position 2692, G replaced by A.
Protein change: p.Glu898Lys; replaces glutamic acid 898 with lysine.
Molecular consequence: missense variant.
Genome position (GRCh38, 1-based): chr2:29,229,007, C>T on the plus strand (G>A on the coding strand, the complement: ALK is on the minus strand). VCF-style: chr2-29229007-C-T. GRCh37 (hg19) VCF-style: chr2-29451873-C-T.
Other names: c.2692G>A (NM_004304.4); short protein forms E898K.
Identifiers: ClinVar variation 1418057 (VCV001418057.7), dbSNP rs1374366049, ClinGen allele CA346469928.

ClinVar aggregate classification (germline): Uncertain significance. Review status: criteria provided, multiple submitters, no conflicts (2 of 4 stars). 2 submissions from 2 submitters: Uncertain significance (2). Last evaluated 2025-07-03.

Conditions:
Neuroblastoma, susceptibility to, 3. Also called: ALK-Related Neuroblastic Tumor Susceptibility. Identifiers: Orphanet 635, MedGen C2751681, MONDO:0013083, OMIM 613014.
Hereditary cancer-predisposing syndrome. Also called: Hereditary neoplastic syndrome; Neoplastic Syndromes, Hereditary; Hereditary Cancer Syndrome; Tumor predisposition. Identifiers: Orphanet 140162, MedGen C0027672, MeSH D009386, MONDO:0015356.

Allele frequency attached by ClinVar (database versions not stated): gnomAD exomes below 0.00001.
gnomAD v4.1: 4 of 1,612,922 alleles (0.00025%); highest among the groups gnomAD compares: South Asian, 0.0011%; no homozygotes.

Submissions (2):

Labcorp Genetics (formerly Invitae), Labcorp
Classification: Uncertain significance for Neuroblastoma, susceptibility to, 3. Last evaluated: 2025-07-03. Review status: criteria provided, single submitter. Criteria: Invitae Variant Classification Sherloc (09022015). Collection method: clinical testing. Allele origin: germline.
Comment: This sequence change replaces glutamic acid, which is acidic and polar, with lysine, which is basic and polar, at codon 898 of the ALK protein (p.Glu898Lys). This variant is present in population databases (no rsID available, gnomAD 0.003%). This variant has not been reported in the literature in individuals affected with ALK-related conditions. ClinVar contains an entry for this variant (Variation ID: 1418057). An algorithm developed to predict the effect of missense changes on protein structure and function (PolyPhen-2) suggests that this variant is likely to be disruptive. In summary, the available evidence is currently insufficient to determine the role of this variant in disease. Therefore, it has been classified as a Variant of Uncertain Significance.

Ambry Genetics
Classification: Uncertain significance for Hereditary cancer-predisposing syndrome. Last evaluated: 2024-11-05. Review status: criteria provided, single submitter. Criteria: Ambry Variant Classification Scheme 2023. Collection method: clinical testing. Allele origin: germline.
Comment: The p.E898K variant (also known as c.2692G>A), located in coding exon 16 of the ALK gene, results from a G to A substitution at nucleotide position 2692. The glutamic acid at codon 898 is replaced by lysine, an amino acid with similar properties. This amino acid position is conserved. In addition, the in silico prediction for this alteration is inconclusive. Based on the available evidence, the clinical significance of this variant remains unclear.